The following is an entry in ClinVar:

ClinVar aggregate classification (germline): Pathogenic (1 of 4 stars; one submission).

Submission:

GeneDx
Classification: Pathogenic. Last evaluated: 2016-04-13. Review status: criteria provided, single submitter. Criteria: GeneDx Variant Classification (06012015). Collection method: clinical testing. Allele origin: germline. Affected: yes.
Comment: The c.550_571dup22 pathogenic variant in the HNRNPU gene has not been reported previously as a pathogenic variant nor as a benign variant, to our knowledge. The c.550_571dup22 variant causes a frameshift starting with codon Threonine 191, changes this amino acid to a Serine residue, and creates a premature Stop codon at position 30 of the new reading frame, denoted p.Thr191SerfsX30. This variant is predicted to cause loss of normal protein function either through protein truncation or nonsense-mediated mRNA decay. The c.550_571dup22 variant was not observed in approximately 6,100 individuals of European and African American ancestry in the NHLBI Exome Sequencing Project, indicating it is not a common benign variant in these populations. We interpret c.550_571dup22 as a pathogenic variant.

NM_031844.3(HNRNPU):c.550_571dup (p.Thr191fs)

Gene: HNRNPU (heterogeneous nuclear ribonucleoprotein U; minus strand). Cytogenetic location: 1q44.
Variant type: Duplication.
Coding change: c.550_571dup on transcript NM_031844.3 (MANE Select); coding-DNA positions 550 to 571, 22 bases duplicated (GCGGGGAAGAGCAGCGGCCCCA).
Protein change: p.Thr191fs; shifts the reading frame from threonine 191.
Molecular consequence: frameshift variant.
Genome position (GRCh38, 1-based): chr1:244,863,737-244,863,758, TGGGGCCGCTGCTCTTCCCCGC duplicated on the plus strand (GCGGGGAAGAGCAGCGGCCCCA on the coding strand, the reverse complement: HNRNPU is on the minus strand). VCF-style (leftmost placement, unchanged base first): chr1-244863736-G-GTGGGGCCGCTGCTCTTCCCCGC. GRCh37 (hg19) VCF-style: chr1-245027038-G-GTGGGGCCGCTGCTCTTCCCCGC.
Other names: c.550_571dup, p.Thr191fs (NM_004501.3); short protein forms T191fs.
Identifiers: ClinVar variation 420968 (VCV000420968.1), dbSNP rs1064794823, ClinGen allele CA16617127.